The following is an entry in ClinVar:

ClinVar aggregate classification (germline): Uncertain significance (1 of 4 stars; one submission).

Conditions:
Capillary malformation-arteriovenous malformation syndrome. Also called: Capillary malformation-arteriovenous malformation. Identifiers: Orphanet 137667, MedGen C1842180, MONDO:0012016.

Allele frequency attached by ClinVar (database versions not stated): TOPMed below 0.00001.

Submission:

Labcorp Genetics (formerly Invitae), Labcorp
Classification: Uncertain significance for Capillary malformation-arteriovenous malformation syndrome. Last evaluated: 2026-01-26. Review status: criteria provided, single submitter. Criteria: Invitae Variant Classification Sherloc (09022015). Collection method: clinical testing. Allele origin: germline.
Comment: This sequence change replaces methionine, which is neutral and non-polar, with isoleucine, which is neutral and non-polar, at codon 914 of the RASA1 protein (p.Met914Ile). This variant is present in population databases (no rsID available, gnomAD 0.006%). This variant has not been reported in the literature in individuals affected with RASA1-related conditions. ClinVar contains an entry for this variant (Variation ID: 2911497). An algorithm developed to predict the effect of missense changes on protein structure and function (PolyPhen-2) suggests that this variant is likely to be tolerated. In summary, the available evidence is currently insufficient to determine the role of this variant in disease. Therefore, it has been classified as a Variant of Uncertain Significance.

NM_002890.3(RASA1):c.2742G>A (p.Met914Ile)

Genes: CCNH (cyclin H; minus strand), RASA1 (RAS p21 protein activator 1; plus strand). Cytogenetic location: 5q14.3.
Variant type: single nucleotide variant.
Coding change: c.2742G>A on transcript NM_002890.3 (MANE Select); coding-DNA position 2742, G replaced by A.
Protein change: p.Met914Ile; replaces methionine 914 with isoleucine.
Molecular consequence: missense variant. On other transcripts: intron variant (1).
Genome position (GRCh38, 1-based): chr5:87,383,764, G>A. VCF-style: chr5-87383764-G-A. GRCh37 (hg19) VCF-style: chr5-86679581-G-A.
Other names: c.2211G>A, p.Met737Ile (NM_022650.3); c.933+11280C>T (NM_001364075.2); short protein forms M737I, M914I.
Identifiers: ClinVar variation 2911497 (VCV002911497.3), dbSNP rs1329152816, ClinGen allele CA360386384.
Genomic context (GRCh38, chr5:87,383,764, plus strand): 5'-CCCATTCAGTGGTTTTGTTTTTCTTCGACTCATCTGTCCTGCCATCCTGAATCCACGGAT[G>A]TTCAATATCATCTCAGGTAATCAGCTTTTGATACATTTTGAAATTCAAAATATTAGAATT-3'
Protein context (NP_002881.1, residues 904-924): LICPAILNPR[Met914Ile]FNIISDSPSP